The following is an entry in ClinVar:

NM_001080442.3(SLC38A8):c.434G>A (p.Trp145Ter)

Gene: SLC38A8 (solute carrier family 38 member 8; minus strand). Cytogenetic location: 16q23.3.
Variant type: single nucleotide variant.
Coding change: c.434G>A on transcript NM_001080442.3 (MANE Select); coding-DNA position 434, G replaced by A.
Protein change: p.Trp145Ter; replaces tryptophan 145 with a stop codon.
Molecular consequence: nonsense.
Genome position (GRCh38, 1-based): chr16:84,033,424, C>T on the plus strand (G>A on the coding strand, the complement: SLC38A8 is on the minus strand). VCF-style: chr16-84033424-C-T. GRCh37 (hg19) VCF-style: chr16-84067029-C-T.
Other names: short protein forms W145*.
Identifiers: ClinVar variation 2859559 (VCV002859559.3), dbSNP rs1310357008, ClinGen allele CA396939821.

ClinVar aggregate classification (germline): Pathogenic (1 of 4 stars; one submission).

Allele frequency attached by ClinVar (database versions not stated): gnomAD exomes below 0.00001; TOPMed 0.00001.
gnomAD v4.1: 3 of 1,612,666 alleles (0.00019%); highest among the groups gnomAD compares: Admixed American, 0.0017%; no homozygotes.

Submission:

Labcorp Genetics (formerly Invitae), Labcorp
Classification: Pathogenic. Last evaluated: 2023-02-08. Review status: criteria provided, single submitter. Criteria: Invitae Variant Classification Sherloc (09022015). Collection method: clinical testing. Allele origin: germline.
Comment: This variant is not present in population databases (gnomAD no frequency). This sequence change creates a premature translational stop signal (p.Trp145*) in the SLC38A8 gene. It is expected to result in an absent or disrupted protein product. Loss-of-function variants in SLC38A8 are known to be pathogenic (PMID: 24290379). This premature translational stop signal has been observed in individual(s) with foveal hypoplasia (PMID: 33498813). For these reasons, this variant has been classified as Pathogenic.

Literature cited by the submitters: PubMed 24290379; PubMed 33498813.